The following is an entry in ClinVar:

ClinVar aggregate classification (germline): Uncertain significance. Review status: criteria provided, multiple submitters, no conflicts (2 of 4 stars). 3 submissions from 3 submitters: Uncertain significance (3). Last evaluated 2025-06-29.

Conditions:
Crouzon syndrome. Also called: CRANIOFACIAL DYSOSTOSIS, TYPE I; Craniofacial dysostosis; Craniofacial dysostosis type 1; Crouzon craniofacial dysostosis; Crouzon disease. Identifiers: Orphanet 207, MedGen C0010273, MeSH D003394, MONDO:0007405, OMIM 123500, HP:0004439.
Gastric cancer. Also called: Malignant tumor of stomach; Stomach cancer. Identifiers: MedGen C0024623, MeSH D013274, MONDO:0001056, OMIM 613659, HP:0012126.
Acrocephalosyndactyly type I (ACS1). Also called: Apert syndrome; Acrocephalo-syndactyly type 1; ACS 1; Syndactylic oxycephaly. Identifiers: Orphanet 87, MedGen C0001193, MONDO:0007041, OMIM 101200.
Pfeiffer syndrome (ACS5). Also called: ACS V. Identifiers: Orphanet 710, MedGen C0220658, MONDO:0007043, OMIM 101600.
Jackson-Weiss syndrome (JWS). Also called: CRANIOSYNOSTOSIS, MIDFACIAL HYPOPLASIA, AND FOOT ABNORMALITIES. Identifiers: Orphanet 1540, MedGen C0795998, MONDO:0007400, OMIM 123150. Disease mechanism: loss of function.
Levy-Hollister syndrome (LADD). Also called: LADD syndrome. Identifiers: Orphanet 2363, MedGen C0265269, MONDO:0007872.
Beare-Stevenson cutis gyrata syndrome (BSTVS). Identifiers: Orphanet 1555, MedGen C1852406, MONDO:0007412, OMIM 123790.
Saethre-Chotzen syndrome (SCS). Also called: CHOTZEN SYNDROME; ACROCEPHALY, SKULL ASYMMETRY, AND MILD SYNDACTYLY; ACS III. Identifiers: Orphanet 794, MedGen C0175699, MONDO:0007042, OMIM 101400.
Familial scaphocephaly syndrome, McGillivray type. Also called: SCAPHOCEPHALY, MAXILLARY RETRUSION, AND IMPAIRED INTELLECTUAL DEVELOPMENT. Identifiers: Orphanet 168624, MedGen C1865070, MONDO:0012307, OMIM 609579.
Bent bone dysplasia syndrome 1 (BBDS1). Also called: FGFR2-related bent bone dysplasia. Identifiers: Orphanet 313855, MedGen C3281247, MONDO:0013815, OMIM 614592.
Antley-Bixler syndrome without genital anomalies or disordered steroidogenesis (ABS2). Also called: MULTISYNOSTOTIC OSTEODYSGENESIS WITH LONG BONE FRACTURES; Trapezoidocephaly synostosis syndrome; Osteodysgenesis, multisynostotic with fractures; Antley-Bixler Syndrome, Autosomal Dominant. Identifiers: Orphanet 596008, Orphanet 83, MedGen C2936791, MONDO:0020667, OMIM 207410.
Inborn genetic diseases. Identifiers: MedGen C0950123, MeSH D030342.
FGFR2-related craniosynostosis. Identifiers: MedGen CN231480.

Allele frequency attached by ClinVar (database versions not stated): gnomAD 0.00001; TOPMed 0.00002; gnomAD exomes 0.00003; ExAC 0.00004.
gnomAD v4.1: 58 of 1,614,084 alleles (0.0036%); highest among the groups gnomAD compares: Non-Finnish European, 0.0046%; no homozygotes.

Submissions (3):

Ambry Genetics
Classification: Uncertain significance for Inborn genetic diseases. Last evaluated: 2025-06-29. Review status: criteria provided, single submitter. Criteria: Ambry Variant Classification Scheme 2023. Collection method: clinical testing. Allele origin: germline.

Labcorp Genetics (formerly Invitae), Labcorp
Classification: Uncertain significance for FGFR2-related craniosynostosis. Last evaluated: 2024-08-15. Review status: criteria provided, single submitter. Criteria: Invitae Variant Classification Sherloc (09022015). Collection method: clinical testing. Allele origin: germline.
Comment: This sequence change replaces alanine, which is neutral and non-polar, with threonine, which is neutral and polar, at codon 414 of the FGFR2 protein (p.Ala414Thr). This variant is present in population databases (rs769880096, gnomAD 0.006%). This variant has not been reported in the literature in individuals affected with FGFR2-related conditions. ClinVar contains an entry for this variant (Variation ID: 1464298). Invitae Evidence Modeling of protein sequence and biophysical properties (such as structural, functional, and spatial information, amino acid conservation, physicochemical variation, residue mobility, and thermodynamic stability) has been performed for this missense variant. However, the output from this modeling did not meet the statistical confidence thresholds required to predict the impact of this variant on FGFR2 protein function. In summary, the available evidence is currently insufficient to determine the role of this variant in disease. Therefore, it has been classified as a Variant of Uncertain Significance.

Fulgent Genetics
Classification: Uncertain significance for Acrocephalosyndactyly type I; Saethre-Chotzen syndrome; Pfeiffer syndrome; Jackson-Weiss syndrome; Crouzon syndrome; Beare-Stevenson cutis gyrata syndrome; LADD syndrome 1; Antley-Bixler syndrome without genital anomalies or disordered steroidogenesis; Familial scaphocephaly syndrome, McGillivray type; Gastric cancer; Bent bone dysplasia syndrome 1. Last evaluated: 2021-10-18. Review status: criteria provided, single submitter. Criteria: ACMG Guidelines, 2015. Collection method: clinical testing. Allele origin: unknown.

NM_000141.5(FGFR2):c.1240G>A (p.Ala414Thr)

Gene: FGFR2 (fibroblast growth factor receptor 2; minus strand). Cytogenetic location: 10q26.13.
Variant type: single nucleotide variant.
Coding change: c.1240G>A on transcript NM_000141.5 (MANE Select); coding-DNA position 1240, G replaced by A.
Protein change: p.Ala414Thr; replaces alanine 414 with threonine.
Molecular consequence: missense variant. On other transcripts: non-coding transcript variant (1), intron variant (1).
Genome position (GRCh38, 1-based): chr10:121,515,164, C>T on the plus strand (G>A on the coding strand, the complement: FGFR2 is on the minus strand). VCF-style: chr10-121515164-C-T. GRCh37 (hg19) VCF-style: chr10-123274678-C-T.
Other names: c.1243G>A, p.Ala415Thr (NM_001144913.1, NM_022970.4); c.904G>A, p.Ala302Thr (NM_001144914.1); c.973G>A, p.Ala325Thr (NM_001144915.2, NM_023029.3); c.895G>A, p.Ala299Thr (NM_001144916.2, NM_001144918.2); c.976G>A, p.Ala326Thr (NM_001144919.2); c.556G>A, p.Ala186Thr (NM_001320654.2); c.1240G>A, p.Ala414Thr (NM_001320658.2); c.939+4815G>A (NM_001144917.2); short protein forms A302T, A414T, A299T, A186T, A415T, A325T, A326T.
Identifiers: ClinVar variation 1464298 (VCV001464298.10), dbSNP rs769880096, ClinGen allele CA5720811.